The following is an entry in ClinVar:

ClinVar aggregate classification (germline): Uncertain significance (1 of 4 stars; one submission).

Conditions:
BAP1-related tumor predisposition syndrome (TPDS1). Also called: BAP1 tumor predisposition syndrome; Tumor susceptibility linked to germline BAP1 mutations; COMMON Syndrome; TUMOR PREDISPOSITION SYNDROME 1. Identifiers: Orphanet 289539, MedGen C3280492, MONDO:0013692, OMIM 614327.

Submission:

Labcorp Genetics (formerly Invitae), Labcorp
Classification: Uncertain significance for BAP1-related tumor predisposition syndrome. Last evaluated: 2022-01-11. Review status: criteria provided, single submitter. Criteria: Invitae Variant Classification Sherloc (09022015). Collection method: clinical testing. Allele origin: germline.
Comment: In summary, the available evidence is currently insufficient to determine the role of this variant in disease. Therefore, it has been classified as a Variant of Uncertain Significance. Variants that disrupt the consensus splice site are a relatively common cause of aberrant splicing (PMID: 17576681, 9536098). Algorithms developed to predict the effect of sequence changes on RNA splicing suggest that this variant may disrupt the consensus splice site. This variant has not been reported in the literature in individuals affected with BAP1-related conditions. This variant is not present in population databases (gnomAD no frequency). This sequence change affects codon 630 of the BAP1 mRNA. It is a 'silent' change, meaning that it does not change the encoded amino acid sequence of the BAP1 protein. This variant also falls at the last nucleotide of exon 14, which is part of the consensus splice site for this exon.

Literature cited by the submitters: PubMed 17576681; PubMed 9536098.

NM_004656.4(BAP1):c.1890G>A (p.Lys630=)

Gene: BAP1 (BRCA1 associated deubiquitinase 1; minus strand). Cytogenetic location: 3p21.1.
Variant type: single nucleotide variant.
Coding change: c.1890G>A on transcript NM_004656.4 (MANE Select); coding-DNA position 1890, G replaced by A.
Protein change: p.Lys630=; no amino-acid change (lysine 630 retained).
Molecular consequence: synonymous variant.
Genome position (GRCh38, 1-based): chr3:52,403,138, C>T on the plus strand (G>A on the coding strand, the complement: BAP1 is on the minus strand). VCF-style: chr3-52403138-C-T. GRCh37 (hg19) VCF-style: chr3-52437154-C-T.
Other names: c.1836G>A, p.Lys612= (NM_001410772.1).
Identifiers: ClinVar variation 2174155 (VCV002174155.4), dbSNP rs2471324398, ClinGen allele CA433885758.